The following is an entry in ClinVar:

NM_001077446.4(TSEN34):c.*497=

Gene: TSEN34 (tRNA splicing endonuclease subunit 34; plus strand). Cytogenetic location: 19q13.42.
Variant type: single nucleotide variant.
Coding change: c.*497= on transcript NM_001077446.4 (MANE Select); 497 bases downstream of the stop codon, no change from the reference sequence.
Molecular consequence: no sequence alteration.
Genome position: GRCh38 VCF-style: chr19-54193859-T-T. GRCh37 (hg19) VCF-style: chr19-54697714-C-T.
Other names: c.*497= (NM_001282332.2, NM_001386740.1, NM_024075.5); c.*188= (NM_001282333.2).
Identifiers: ClinVar variation 330138 (VCV000330138.6), dbSNP rs36621.
Genomic context (GRCh38, chr19:54,193,859, plus strand): 5'-TTTCAAAATTGGTTTTTCTGACTCCTAAATCTGCACTCTTTCTACCTCACTAAACTTCCT[T=]TTGAAAAGATTTCTATGAAATTTCCCAGATGCATACAAACGTTATAAATAAAAATATAGG-3'

ClinVar aggregate classification (germline): Benign. Review status: criteria provided, multiple submitters, no conflicts (2 of 4 stars). 2 submissions from 2 submitters: Benign (2). Last evaluated 2018-01-13.

Conditions:
Pontoneocerebellar hypoplasia. Also called: Non-syndromic pontocerebellar hypoplasia; Pontocerebellar hypoplasia. Identifiers: Orphanet 98523, MedGen C1261175, MONDO:0020135.

Allele frequency attached by ClinVar (database versions not stated): TOPMed 0.78880; gnomAD 0.79712 and 0.80151; 1000 Genomes Project 30x 0.75203; gnomAD exomes 0.78705.

Submissions (2):

Illumina Laboratory Services, Illumina
Classification: Benign for Pontoneocerebellar hypoplasia. Last evaluated: 2018-01-13. Review status: criteria provided, single submitter. Criteria: ICSL Variant Classification Criteria 13 December 2019. Collection method: clinical testing. Allele origin: germline.
Comment: This variant was observed in the ICSL laboratory as part of a predisposition screen in an ostensibly healthy population. It had not been previously curated by ICSL or reported in the Human Gene Mutation Database (HGMD: prior to June 1st, 2018), and was therefore a candidate for classification through an automated scoring system. Utilizing variant allele frequency, disease prevalence and penetrance estimates, and inheritance mode, an automated score was calculated to assess if this variant is too frequent to cause the disease. Based on the score and internal cut-off values, a variant classified as benign is not then subjected to further curation. The score for this variant resulted in a classification of benign for this disease.

Breakthrough Genomics
Classification: Benign. Review status: criteria provided, single submitter. Criteria: ACMG Guidelines, 2015. Collection method: not provided. Allele origin: germline. Inheritance: Autosomal recessive inheritance. Affected: yes.